The following is an entry in ClinVar:

ClinVar aggregate classification (germline): Uncertain significance (1 of 4 stars; one submission).

Allele frequency attached by ClinVar (database versions not stated): gnomAD 0.00001.
gnomAD v4.1: 5 of 1,610,740 alleles (0.00031%); highest among the groups gnomAD compares: Non-Finnish European, 0.00042%; no homozygotes.

Submission:

Labcorp Genetics (formerly Invitae), Labcorp
Classification: Uncertain significance. Last evaluated: 2022-08-23. Review status: criteria provided, single submitter. Criteria: Invitae Variant Classification Sherloc (09022015). Collection method: clinical testing. Allele origin: germline.
Comment: This sequence change replaces proline, which is neutral and non-polar, with arginine, which is basic and polar, at codon 596 of the BRD4 protein (p.Pro596Arg). In summary, the available evidence is currently insufficient to determine the role of this variant in disease. Therefore, it has been classified as a Variant of Uncertain Significance. Algorithms developed to predict the effect of missense changes on protein structure and function (SIFT, PolyPhen-2, Align-GVGD) all suggest that this variant is likely to be disruptive. This variant has not been reported in the literature in individuals affected with BRD4-related conditions. This variant is present in population databases (no rsID available, gnomAD 0.007%).

NM_001379291.1(BRD4):c.1787C>G (p.Pro596Arg)

Gene: BRD4 (bromodomain containing 4; minus strand). Cytogenetic location: 19p13.12.
Variant type: single nucleotide variant.
Coding change: c.1787C>G on transcript NM_001379291.1 (MANE Select); coding-DNA position 1787, C replaced by G.
Protein change: p.Pro596Arg; replaces proline 596 with arginine.
Molecular consequence: missense variant.
Genome position (GRCh38, 1-based): chr19:15,255,557, G>C on the plus strand (C>G on the coding strand, the complement: BRD4 is on the minus strand). VCF-style: chr19-15255557-G-C. GRCh37 (hg19) VCF-style: chr19-15366368-G-C.
Other names: c.1787C>G, p.Pro596Arg (NM_001330384.2, NM_001379292.1, NM_014299.3 and 1 more transcripts); short protein forms P596R.
Identifiers: ClinVar variation 2042648 (VCV002042648.4), dbSNP rs1378630016, ClinGen allele CA404520076.
Genomic context (GRCh38, chr19:15,255,557, plus strand): 5'-CGCTTCTCCTCATAGGACATAGGCTTGCACTTGTCCTCTTCCTCCGACTCATACGTGGGA[G>C]GGGGCTTGCTCTTCATGGGCGCTGGCTCCTTCTTGCTACGAAGGGACGATGCAGACACCA-3'
Protein context (NP_001366220.1, residues 586-606): KEPAPMKSKP[Pro596Arg]PTYESEEEDK